The following is an entry in ClinVar:

NM_145046.5(CALR3):c.1039C>T (p.Gln347Ter)

Gene: CALR3 (calreticulin 3; minus strand). Cytogenetic location: 19p13.11.
Variant type: single nucleotide variant.
Coding change: c.1039C>T on transcript NM_145046.5 (MANE Select); coding-DNA position 1039, C replaced by T.
Protein change: p.Gln347Ter; replaces glutamine 347 with a stop codon.
Molecular consequence: nonsense.
Genome position (GRCh38, 1-based): chr19:16,479,247, G>A on the plus strand (C>T on the coding strand, the complement: CALR3 is on the minus strand). VCF-style: chr19-16479247-G-A. GRCh37 (hg19) VCF-style: chr19-16590058-G-A.
Other names: short protein forms Q347*.
Identifiers: ClinVar variation 4737539 (VCV004737539.1).

ClinVar aggregate classification (germline): Uncertain significance (1 of 4 stars; one submission).

Conditions:
Hypertrophic cardiomyopathy 19. Also called: Familial hypertrophic cardiomyopathy 19. Identifiers: MedGen CN077603, MONDO:0013476.

gnomAD v4.1: 5 of 1,613,986 alleles (0.00031%); highest among the groups gnomAD compares: Admixed American, 0.0067%; no homozygotes.

Submission:

Labcorp Genetics (formerly Invitae), Labcorp
Classification: Uncertain significance for Hypertrophic cardiomyopathy 19. Last evaluated: 2025-08-30. Review status: criteria provided, single submitter. Criteria: Invitae Variant Classification Sherloc (09022015). Collection method: clinical testing. Allele origin: germline.
Comment: This sequence change creates a premature translational stop signal (p.Gln347*) in the CALR3 gene. While this is not anticipated to result in nonsense mediated decay, it is expected to disrupt the last 38 amino acid(s) of the CALR3 protein. This variant is present in population databases (rs749516012, gnomAD 0.01%). This variant has not been reported in the literature in individuals affected with CALR3-related conditions. Experimental studies and prediction algorithms are not available or were not evaluated, and the functional significance of this variant is currently unknown. In summary, the available evidence is currently insufficient to determine the role of this variant in disease. Therefore, it has been classified as a Variant of Uncertain Significance.